The following is an entry in ClinVar:

ClinVar aggregate classification (germline): Likely benign. Review status: criteria provided, multiple submitters, no conflicts (2 of 4 stars). 3 submissions from 3 submitters: Likely benign (3). Last evaluated 2026-08-27.

Conditions:
TTC21B-related disorder. Also called: TTC21B-related disorders; TTC21B-related condition.
Jeune thoracic dystrophy. Also called: Jeune syndrome; Infantile thoracic dystrophy; Thoracic pelvic phalangeal dystrophy; Jeune's syndrome; Chondroectodermal dysplasia-like syndrome; Short-rib thoracic dysplasia. Identifiers: Orphanet 474, MedGen C0265275, MONDO:0018770.
Nephronophthisis. Also called: Juvenile Nephronophthisis. Identifiers: Orphanet 655, MedGen C0687120, MONDO:0019005, HP:0000090.

Allele frequency attached by ClinVar (database versions not stated): gnomAD exomes 0.00001 and 0.00002; TOPMed 0.00003; gnomAD 0.00011; ExAC 0.00002.

Submissions (3):

PreventionGenetics, part of Exact Sciences
Classification: Likely benign for TTC21B-related condition. Last evaluated: 2026-08-27. Review status: criteria provided, single submitter. Criteria: ACMG Guidelines, 2015. Collection method: clinical testing. Allele origin: germline.
Comment: This variant is classified as likely benign based on ACMG/AMP sequence variant interpretation guidelines (Richards et al. 2015 PMID: 25741868, with internal and published modifications).

Labcorp Genetics (formerly Invitae), Labcorp
Classification: Likely benign for Jeune thoracic dystrophy; Nephronophthisis. Last evaluated: 2025-02-10. Review status: criteria provided, single submitter. Criteria: Invitae Variant Classification Sherloc (09022015). Collection method: clinical testing. Allele origin: germline.

GeneDx
Classification: Likely benign. Last evaluated: 2016-06-03. Review status: criteria provided, single submitter. Criteria: GeneDx Variant Classification (06012015). Collection method: clinical testing. Allele origin: germline. Affected: yes.
Comment: This variant is considered likely benign or benign based on one or more of the following criteria: it is a conservative change, it occurs at a poorly conserved position in the protein, it is predicted to be benign by multiple in silico algorithms, and/or has population frequency not consistent with disease.

NM_024753.5(TTC21B):c.1116G>A (p.Gly372=)

Gene: TTC21B (tetratricopeptide repeat domain 21B; minus strand). Cytogenetic location: 2q24.3.
Variant type: single nucleotide variant.
Coding change: c.1116G>A on transcript NM_024753.5 (MANE Select); coding-DNA position 1116, G replaced by A.
Protein change: p.Gly372=; no amino-acid change (glycine 372 retained).
Molecular consequence: synonymous variant.
Genome position (GRCh38, 1-based): chr2:165,929,719, C>T on the plus strand (G>A on the coding strand, the complement: TTC21B is on the minus strand). VCF-style: chr2-165929719-C-T. GRCh37 (hg19) VCF-style: chr2-166786229-C-T.
Identifiers: ClinVar variation 386566 (VCV000386566.5), dbSNP rs771405314, ClinGen allele CA1942224.
Genomic context (GRCh38, chr2:165,929,719, plus strand): 5'-TCCAATGGATTGCTGGATTTCATTTAAAAATTCTAGCTGCTGATCTGCATCCTGTAATTG[C>T]CCTTCTATCAACTGACATTGGATAAATCCTAAAATCAAACAGCAGAAAGACAGTCAAAGT-3'
Protein context (NP_079029.3, residues 362-382): VGFIQCQLIE[Gly372=]QLQDADQQLE